The following is an entry in ClinVar:

ClinVar aggregate classification (germline): Likely benign (1 of 4 stars; one submission).

Conditions:
INTS11-related condition.

gnomAD v4.1: 238 of 1,595,586 alleles (0.015%); highest among the groups gnomAD compares: African/African-American, 0.2%; 1 homozygote.

Submission:

PreventionGenetics, part of Exact Sciences
Classification: Likely benign for INTS11-related condition. Last evaluated: 2026-02-19. Review status: criteria provided, single submitter. Criteria: ACMG Guidelines, 2015. Collection method: clinical testing. Allele origin: germline.
Comment: This variant is classified as likely benign based on ACMG/AMP sequence variant interpretation guidelines (Richards et al. 2015 PMID: 25741868, with internal and published modifications).

NM_017871.6(INTS11):c.1334C>T (p.Thr445Met)

Gene: INTS11 (integrator complex subunit 11; minus strand). Cytogenetic location: 1p36.33.
Variant type: single nucleotide variant.
Coding change: c.1334C>T on transcript NM_017871.6 (MANE Select); coding-DNA position 1334, C replaced by T.
Protein change: p.Thr445Met; replaces threonine 445 with methionine.
Molecular consequence: missense variant.
Genome position (GRCh38, 1-based): chr1:1,312,661, G>A on the plus strand (C>T on the coding strand, the complement: INTS11 is on the minus strand). VCF-style: chr1-1312661-G-A. GRCh37 (hg19) VCF-style: chr1-1248041-G-A.
Other names: c.1352C>T, p.Thr451Met (NM_001256456.2); c.1247C>T, p.Thr416Met (NM_001256460.2); c.1040C>T, p.Thr347Met (NM_001256462.2); c.1031C>T, p.Thr344Met (NM_001256463.2); short protein forms T344M, T416M, T347M, T445M, T451M.
Identifiers: ClinVar variation 4980964 (VCV004980964.1).